The following is an entry in ClinVar:

ClinVar aggregate classification (germline): Uncertain significance. Review status: criteria provided, multiple submitters, no conflicts (2 of 4 stars). 3 submissions from 3 submitters: Uncertain significance (3). Last evaluated 2024-06-29.

Conditions:
Myopathy, proximal, and ophthalmoplegia (CMYO6). Also called: CONGENITAL MYOPATHY 6 WITH OPHTHALMOPLEGIA; INCLUSION BODY MYOPATHY 3, AUTOSOMAL DOMINANT; MYOPATHY WITH CONGENITAL JOINT CONTRACTURES, OPHTHALMOPLEGIA, AND RIMMED VACUOLES. Identifiers: Orphanet 363677, Orphanet 79091, MedGen C1854106, MONDO:0011577, OMIM 605637.

Allele frequency attached by ClinVar (database versions not stated): ExAC 0.00002; gnomAD exomes 0.00003; ESP Exome Variant Server 0.00008; gnomAD 0.00009 and 0.00010; TOPMed 0.00010.
gnomAD v4.1: 51 of 1,614,042 alleles (0.0032%); highest among the groups gnomAD compares: African/African-American, 0.031%; no homozygotes.

Submissions (3):

Labcorp Genetics (formerly Invitae), Labcorp
Classification: Uncertain significance for Myopathy, proximal, and ophthalmoplegia. Last evaluated: 2024-06-29. Review status: criteria provided, single submitter. Criteria: Invitae Variant Classification Sherloc (09022015). Collection method: clinical testing. Allele origin: germline.
Comment: This sequence change replaces arginine, which is basic and polar, with histidine, which is basic and polar, at codon 1755 of the MYH2 protein (p.Arg1755His). This variant is present in population databases (rs144414607, gnomAD 0.04%). This variant has not been reported in the literature in individuals affected with MYH2-related conditions. ClinVar contains an entry for this variant (Variation ID: 1000133). Advanced modeling of protein sequence and biophysical properties (such as structural, functional, and spatial information, amino acid conservation, physicochemical variation, residue mobility, and thermodynamic stability) performed at Invitae indicates that this missense variant is not expected to disrupt MYH2 protein function with a negative predictive value of 80%. In summary, the available evidence is currently insufficient to determine the role of this variant in disease. Therefore, it has been classified as a Variant of Uncertain Significance.

Laboratorio de Genetica e Diagnostico Molecular, Hospital Israelita Albert Einstein
Classification: Uncertain significance for Myopathy, proximal, and ophthalmoplegia. Last evaluated: 2022-12-22. Review status: criteria provided, single submitter. Criteria: ACMG Guidelines, 2015. Collection method: clinical testing. Allele origin: germline. Affected: yes. Observed: 1 variant allele.
Comment: ACMG classification criteria: PM2 supporting

Revvity Omics, Revvity
Classification: Uncertain significance for Myopathy, proximal, and ophthalmoplegia. Last evaluated: 2019-12-02. Review status: criteria provided, single submitter. Criteria: ACMG Guidelines, 2015. Collection method: clinical testing. Allele origin: germline.

NM_017534.6(MYH2):c.5264G>A (p.Arg1755His)

Genes: MYHAS (myosin heavy chain gene cluster antisense RNA; plus strand), MYH2 (myosin heavy chain 2; minus strand). Cytogenetic location: 17p13.1.
Variant type: single nucleotide variant.
Coding change: c.5264G>A on transcript NM_017534.6 (MANE Select); coding-DNA position 5264, G replaced by A.
Protein change: p.Arg1755His; replaces arginine 1755 with histidine.
Molecular consequence: missense variant.
Genome position (GRCh38, 1-based): chr17:10,523,796, C>T on the plus strand (G>A on the coding strand, the complement: MYH2 is on the minus strand). VCF-style: chr17-10523796-C-T. GRCh37 (hg19) VCF-style: chr17-10427113-C-T.
Other names: c.5264G>A, p.Arg1755His (NM_001100112.2); c.5264G>A (NM_017534.5); short protein forms R1755H.
Identifiers: ClinVar variation 1000133 (VCV001000133.8), dbSNP rs144414607, ClinGen allele CA8390446.